The following is an entry in ClinVar:

ClinVar aggregate classification (germline): Uncertain significance (1 of 4 stars; one submission).

Allele frequency attached by ClinVar (database versions not stated): TOPMed below 0.00001; gnomAD 0.00001; gnomAD exomes 0.00002 and 0.00005.
gnomAD v4.1: 10 of 1,551,206 alleles (0.00064%); highest among the groups gnomAD compares: Admixed American, 0.018%; no homozygotes.

Submission:

Labcorp Genetics (formerly Invitae), Labcorp
Classification: Uncertain significance. Last evaluated: 2022-05-16. Review status: criteria provided, single submitter. Criteria: Invitae Variant Classification Sherloc (09022015). Collection method: clinical testing. Allele origin: germline.
Comment: Algorithms developed to predict the effect of missense changes on protein structure and function (SIFT, PolyPhen-2, Align-GVGD) all suggest that this variant is likely to be tolerated. In summary, the available evidence is currently insufficient to determine the role of this variant in disease. Therefore, it has been classified as a Variant of Uncertain Significance. Algorithms developed to predict the effect of sequence changes on RNA splicing suggest that this variant may create or strengthen a splice site. ClinVar contains an entry for this variant (Variation ID: 855942). This variant has not been reported in the literature in individuals affected with KPNA7-related conditions. This variant is present in population databases (no rsID available, gnomAD 0.008%). This sequence change replaces alanine, which is neutral and non-polar, with threonine, which is neutral and polar, at codon 440 of the KPNA7 protein (p.Ala440Thr).

NM_001145715.3(KPNA7):c.1318G>A (p.Ala440Thr)

Gene: KPNA7 (karyopherin subunit alpha 7; minus strand). Cytogenetic location: 7q22.1.
Variant type: single nucleotide variant.
Coding change: c.1318G>A on transcript NM_001145715.3 (MANE Select); coding-DNA position 1318, G replaced by A.
Protein change: p.Ala440Thr; replaces alanine 440 with threonine.
Molecular consequence: missense variant.
Genome position (GRCh38, 1-based): chr7:99,178,066, C>T on the plus strand (G>A on the coding strand, the complement: KPNA7 is on the minus strand). VCF-style: chr7-99178066-C-T. GRCh37 (hg19) VCF-style: chr7-98775689-C-T.
Other names: short protein forms A440T.
Identifiers: ClinVar variation 855942 (VCV000855942.8), dbSNP rs1024331795, ClinGen allele CA163744407.